The following is an entry in ClinVar:

ClinVar aggregate classification (germline): Uncertain significance (1 of 4 stars; one submission).

Submission:

Labcorp Genetics (formerly Invitae), Labcorp
Classification: Uncertain significance. Last evaluated: 2022-10-13. Review status: criteria provided, single submitter. Criteria: Invitae Variant Classification Sherloc (09022015). Collection method: clinical testing. Allele origin: germline.
Comment: Experimental studies and prediction algorithms are not available or were not evaluated, and the functional significance of this variant is currently unknown. In summary, the available evidence is currently insufficient to determine the role of this variant in disease. Therefore, it has been classified as a Variant of Uncertain Significance. This variant has not been reported in the literature in individuals affected with PCDH15-related conditions. This variant results in a copy number gain of the genomic region encompassing exon(s) 11 of the PCDH15 gene. While the exact position of this variant cannot be determined from the data, sub-genic copy number gains are generally in tandem (PMID: 25640679). This variant is predicted to be in-frame, and likely preserves the integrity of the reading frame.

Literature cited by the submitters: PubMed 25640679.

NC_000010.10:g.(?_55955423)_(55955669_?)dup

Gene: PCDH15 (protocadherin related 15; minus strand). Cytogenetic location: 10q21.1.
Variant type: Duplication.
Identifiers: ClinVar variation 1450286 (VCV001450286.5).